The following is an entry in ClinVar:

NM_001848.3(COL6A1):c.1231G>A (p.Asp411Asn)

Gene: COL6A1 (collagen type VI alpha 1 chain; plus strand). Cytogenetic location: 21q22.3.
Variant type: single nucleotide variant.
Coding change: c.1231G>A on transcript NM_001848.3 (MANE Select); coding-DNA position 1231, G replaced by A.
Protein change: p.Asp411Asn; replaces aspartic acid 411 with asparagine.
Molecular consequence: missense variant.
Genome position (GRCh38, 1-based): chr21:45,992,212, G>A. VCF-style: chr21-45992212-G-A. GRCh37 (hg19) VCF-style: chr21-47412126-G-A.
Other names: short protein forms D411N.
Identifiers: ClinVar variation 572408 (VCV000572408.18), dbSNP rs575394639, ClinGen allele CA10070164.

ClinVar aggregate classification (germline): Conflicting classifications of pathogenicity. Review status: criteria provided, conflicting classifications (1 of 4 stars). 4 submissions from 4 submitters: Uncertain significance (3); Likely benign (1). Last evaluated 2025-10-02.

Conditions:
Bethlem myopathy 1A. Also called: Bethlem myopathy 1; MYOPATHY, BENIGN CONGENITAL, WITH CONTRACTURES; Bethlem Muscular Dystrophy. Identifiers: Orphanet 610, MedGen CN029274, MONDO:0024530, OMIM 158810.

Allele frequency attached by ClinVar (database versions not stated): gnomAD exomes 0.00002; ExAC 0.00003; gnomAD 0.00013 and 0.00014; 1000 Genomes Project 30x 0.00016; 1000 Genomes Project 0.00020; TOPMed 0.00041.
gnomAD v4.1: 46 of 1,613,580 alleles (0.0029%); highest among the groups gnomAD compares: Admixed American, 0.038%; no homozygotes.

Submissions (4):

Labcorp Genetics (formerly Invitae), Labcorp
Classification: Likely benign for Bethlem myopathy 1A. Last evaluated: 2025-10-02. Review status: criteria provided, single submitter. Criteria: Invitae Variant Classification Sherloc (09022015). Collection method: clinical testing. Allele origin: germline.

GeneDx
Classification: Uncertain significance. Last evaluated: 2020-12-21. Review status: criteria provided, single submitter. Criteria: GeneDx Variant Classification Process June 2021. Collection method: clinical testing. Allele origin: germline. Affected: yes.
Comment: In silico analysis supports that this missense variant does not alter protein structure/function; Has not been previously published as pathogenic or benign to our knowledge

Revvity Omics, Revvity
Classification: Uncertain significance. Last evaluated: 2019-06-25. Review status: criteria provided, single submitter. Criteria: ACMG Guidelines, 2015. Collection method: clinical testing. Allele origin: germline.

Eurofins Ntd Llc (ga)
Classification: Uncertain significance. Last evaluated: 2018-04-02. Review status: criteria provided, single submitter. Criteria: EGL ClinVar v180209 classification definitions. Collection method: clinical testing. Allele origin: germline. Observed: 2 variant alleles, 2 heterozygotes.